The following is an entry in ClinVar:

ClinVar aggregate classification (germline): Uncertain significance (1 of 4 stars; one submission).

Conditions:
Microcephalic osteodysplastic primordial dwarfism type II (MOPD2). Also called: MOPD II; OSTEODYSPLASTIC PRIMORDIAL DWARFISM, TYPE II; Microcephalic osteodysplastic primordial dwarfism with tooth abnormalities. Identifiers: Orphanet 2637, MedGen C0432246, MONDO:0008872, OMIM 210720.

Submission:

Baylor Genetics
Classification: Uncertain significance for Microcephalic osteodysplastic primordial dwarfism type II. Last evaluated: 2019-09-05. Review status: criteria provided, single submitter. Criteria: ACMG Guidelines, 2015. Collection method: clinical testing. Allele origin: unknown. Affected: yes.
Comment: This variant was determined to be of uncertain significance according to ACMG Guidelines, 2015 [PMID:25741868].

NM_006031.6(PCNT):c.8089C>A (p.Gln2697Lys)

Gene: PCNT (pericentrin; plus strand). Cytogenetic location: 21q22.3.
Variant type: single nucleotide variant.
Coding change: c.8089C>A on transcript NM_006031.6 (MANE Select); coding-DNA position 8089, C replaced by A.
Protein change: p.Gln2697Lys; replaces glutamine 2697 with lysine.
Molecular consequence: missense variant.
Genome position (GRCh38, 1-based): chr21:46,431,553, C>A. VCF-style: chr21-46431553-C-A. GRCh37 (hg19) VCF-style: chr21-47851467-C-A.
Other names: c.7735C>A, p.Gln2579Lys (NM_001315529.2); short protein forms Q2697K, Q2579K.
Identifiers: ClinVar variation 1030065 (VCV001030065.1), dbSNP rs1211566024, ClinGen allele CA410572446.
Genomic context (GRCh38, chr21:46,431,553, plus strand): 5'-ATTCAGTGTCTCCCATCGTATGTGTTTGCTGTCTAGGAGCTGCGGGCGTCTTTGGAGACA[C>A]AGCGTGCTCAGAGCAGTCGACTCTGCGTGGCACTGAAACACGAGCAGACGGCCAAGGACA-3'
Protein context (NP_006022.3, residues 2687-2707): LEELRASLET[Gln2697Lys]RAQSSRLCVA